The following is an entry in ClinVar:

ClinVar aggregate classification (germline): Pathogenic. Review status: criteria provided, multiple submitters, no conflicts (2 of 4 stars). 13 submissions from 13 submitters: Pathogenic (10). 3 of the submissions do not count toward it. Last evaluated 2026-01-26.

Conditions:
MMAA-related disorder. Also called: MMAA-related condition.
Methylmalonic acidemia (MMA). Also called: Isolated Methylmalonic Acidemia. Identifiers: MedGen C0268583, MeSH C537358, MONDO:0002012, HP:0002912.
Methylmalonic aciduria, cblA type (MACA). Also called: Methylmalonic aciduria, vitamin B12-responsive; Methylmalonic aciduria, vitamin b12-responsive, due to defect in synthesis of adenosylcobalamin, cbla complementation type; MMA cbl A type; Methylmalonic acidemia cblA type; Vitamin B12-responsive methylmalonic acidemia type cblA. Identifiers: Orphanet 28, Orphanet 79310, MedGen C1855109, MONDO:0009613, OMIM 251100.

Submissions (13):

Labcorp Genetics (formerly Invitae), Labcorp
Classification: Pathogenic for Methylmalonic aciduria, cblA type. Last evaluated: 2026-01-26. Review status: criteria provided, single submitter. Criteria: Invitae Variant Classification Sherloc (09022015). Collection method: clinical testing. Allele origin: germline.
Comment: This sequence change creates a premature translational stop signal (p.Thr198Serfs*6) in the MMAA gene. It is expected to result in an absent or disrupted protein product. Loss-of-function variants in MMAA are known to be pathogenic (PMID: 15523652, 15781192). This variant is present in population databases (rs779859711, gnomAD 0.008%). This premature translational stop signal has been observed in individual(s) with cblA-type methylmalonicaciduria (PMID: 15523652, 22614770, 28497574). This variant is also known as c.592_595del. ClinVar contains an entry for this variant (Variation ID: 203815). For these reasons, this variant has been classified as Pathogenic.

Natera, Inc.
Classification: Pathogenic for Methylmalonic aciduria cblA type. Last evaluated: 2025-10-10. Review status: criteria provided, single submitter. Criteria: Natera Variant Classification Schema (03/2026). Collection method: clinical testing. Allele origin: germline.
Comment: The c.593_596delCTGA variant in MMAA is a frameshift variant predicted to shift the reading frame beginning at codon 198 and leads to a stop codon 6 codons downstream. This variant is expected to result in nonsense mediated decay, truncation, or a dysfunctional protein product. This variant is rare in the general population with a frequency below the threshold expected for the associated phenotype(s). This variant has been observed in one or more individuals affected with the associated recessive disease, as either homozygous or compound heterozygous with a second variant (PMID: 15523652). Given the available evidence, this variant is classified as Pathogenic.

CeGaT Center for Human Genetics Tuebingen
Classification: Pathogenic. Last evaluated: 2024-12-01. Review status: criteria provided, single submitter. Criteria: CeGaT Center For Human Genetics Tuebingen Variant Classification Criteria Version 2. Collection method: clinical testing. Allele origin: germline. Affected: yes. Observed: 6 variant alleles.
Comment: MMAA: PM3:Very Strong, PVS1, PM2

Blueprint Genetics
Classification: Pathogenic for MMAA-related disorders. Last evaluated: 2024-11-26. Review status: criteria provided, single submitter. Criteria: ACMG Guidelines, 2015. Collection method: clinical testing. Allele origin: germline. Affected: yes. Observed: 5 variant alleles.

Department of Human Genetics, Hannover Medical School
Classification: Pathogenic for Methylmalonic aciduria, cblA type. Last evaluated: 2024-10-15. Review status: criteria provided, single submitter. Criteria: ACMG Guidelines, 2015. Collection method: clinical testing. Allele origin: germline. Inheritance: Autosomal recessive inheritance. Affected: yes.
Comment: ACMG: PVS1, PM2_Supporting, PM3_VeryStrong, PP4

Fulgent Genetics
Classification: Pathogenic for Methylmalonic aciduria, cblA type. Last evaluated: 2024-03-29. Review status: criteria provided, single submitter. Criteria: ACMG Guidelines, 2015. Collection method: clinical testing. Allele origin: germline.

Centre for Mendelian Genomics, University Medical Centre Ljubljana
Classification: Pathogenic for Methylmalonic aciduria, cblA type. Last evaluated: 2019-04-11. Review status: criteria provided, single submitter. Criteria: ACMG Guidelines, 2015. Collection method: clinical testing. Allele origin: unknown. Affected: yes.
Comment: This variant was classified as: Pathogenic. The following ACMG criteria were applied in classifying this variant: PVS1,PM2,PS1,PP4. This variant was detected in homozygous state.

Laboratory for Molecular Medicine, Mass General Brigham Personalized Medicine
Classification: Pathogenic for Methylmalonic acidemia. Last evaluated: 2018-12-03. Review status: criteria provided, single submitter. Criteria: LMM Criteria. Collection method: clinical testing. Allele origin: germline. Inheritance: Autosomal recessive inheritance. Observed: 1 variant allele.
Comment: The p.Thr198SerfsX6 variant in MMAA has been reported in at least 5 compound het erozygous and 1 homozygous individuals with methylmalonic acidemia (Lerner-Ellis , 2004). It has also been identified in 10/129132 of European chromosomes by gno mAD. This variant is predicted to cause a fra meshift, which alters the protein?s amino acid sequence beginning at position 19 8 and leads to a premature termination codon 6 amino acids downstream. This alte ration is then predicted to lead to a truncated or absent protein. Loss of funct ion of the MMAA gene is an established disease mechanism in autosomal recessive methylmalonic acidemia. In summary, this variant meets criteria to be classified as pathogenic for autosomal recessive methylmalonic acidemia. ACMG/AMP Criteria applied: PM2_Supportive, PVS1, PM3_Very Strong.

Women's Health and Genetics/Laboratory Corporation of America, LabCorp
Classification: Pathogenic for Methylmalonic acidemia. Last evaluated: 2018-03-19. Review status: criteria provided, single submitter. Criteria: LabCorp Variant Classification Summary - May 2015. Collection method: clinical testing. Allele origin: germline.
Comment: Variant summary: MMAA c.593_596delCTGA (p.Thr198SerfsX6) results in a premature termination codon, predicted to cause a truncation of the encoded protein or absence of the protein due to nonsense mediated decay, which are commonly known mechanisms for disease. The variant allele was found at a frequency of 3.7e-05 in 246266 control chromosomes. This frequency is not higher than expected for a pathogenic variant in MMAA causing Methylmalonic Acidemia (3.7e-05 vs 0.0018), allowing no conclusion about variant significance. The c.593_596delCTGA variant has been reported in the literature in multiple individuals affected with Methylmalonic Acidemia, both as a homozygous and compound heterozygous allele. These data indicate that the variant is very likely to be associated with disease. At least one publication reports experimental evidence evaluating an impact on protein function, with the most pronounced variant effect resulting in 10%-<30% of normal activity (Lerner-Ellis_2004). One clinical diagnostic laboratory has submitted clinical-significance assessments for this variant to ClinVar without evidence for independent evaluation, and classified the variant as pathogenic. Based on the evidence outlined above, the variant was classified as pathogenic.

GeneDx
Classification: Pathogenic. Last evaluated: 2014-08-18. Review status: criteria provided, single submitter. Criteria: GeneDx Variant Classification (06012015). Collection method: clinical testing. Allele origin: germline. Affected: yes.
Comment: The c.593_596delCTGA deletion causes a frameshift starting with codon Threonine 198, changes this amino acid to a Serine residue and creates a premature Stop codon at position 6 of the new reading frame, denoted p.Thr198SerfsX6. This mutation is predicted to cause loss of normal protein function either through protein truncation or nonsense-mediated mRNA decay. c.593_596delCTGA has been reported previously in association with methylmalonic acidemia (MMA) (Lerner-Ellis et al., 2004; aka c.592_595delACTC). The variant is found in MMAA panel(s).

PreventionGenetics, part of Exact Sciences
Classification: Pathogenic for MMAA-related condition. Last evaluated: 2024-05-13. Review status: no assertion criteria provided. Collection method: clinical testing. Allele origin: germline. Not counted in ClinVar's aggregate classification.
Comment: The MMAA c.593_596delCTGA variant is predicted to result in a frameshift and premature protein termination (p.Thr198Serfs*6). This variant has been reported, in the homozygous or compound heterozygous state, in numerous individuals with methylmalonic acidemia, cblA type (e.g., Lerner-Ellis et al. 2004. PubMed ID: 15523652; Plessl et al. 2017. PubMed ID: 28497574; Kang et al. 2020. PubMed ID: 31622506). This variant has also been described in the literature as c.590_593del or c.592_595del. This variant is reported in 0.0077% of alleles in individuals of European (Non-Finnish) descent in gnomAD. Frameshift variants in MMAA are expected to be pathogenic. This variant is interpreted as pathogenic.

OMIM
Classification: Pathogenic for METHYLMALONIC ACIDURIA, cblA TYPE. Last evaluated: 2002-11-26. Review status: no assertion criteria provided. Collection method: literature only. Allele origin: germline. Not counted in ClinVar's aggregate classification.

GeneReviews
No classification provided. Condition: Methylmalonic aciduria, cblA type. Review status: no classification provided. Collection method: literature only. Allele origin: germline. Affected: yes. Not counted in ClinVar's aggregate classification.

Literature cited by the submitters: PubMed 15523652 (cited by 4 submitters); PubMed 15781192 (cited by Labcorp Genetics (formerly Invitae), Labcorp); PubMed 22614770 (cited by Labcorp Genetics (formerly Invitae), Labcorp); PubMed 28497574 (cited by Labcorp Genetics (formerly Invitae), Labcorp); PubMed 23026888 (cited by Women's Health and Genetics/Laboratory Corporation of America, LabCorp); PubMed 12438653 (cited by OMIM); NCBI Bookshelf NBK1231 (cited by GeneReviews).

NM_172250.3(MMAA):c.593_596del (p.Thr198fs)

Gene: MMAA (metabolism of cobalamin associated A; plus strand). Cytogenetic location: 4q31.21.
Variant type: Deletion.
Coding change: c.593_596del on transcript NM_172250.3 (MANE Select); coding-DNA positions 593 to 596, 4 bases deleted (CTGA; older notation c.593_596delCTGA).
Protein change: p.Thr198fs; shifts the reading frame from threonine 198.
Molecular consequence: frameshift variant.
Genome position (GRCh38, 1-based): chr4:145,646,016-145,646,019, CTGA deleted; deleting any 4 consecutive bases within chr4:145,646,013-145,646,019 gives the same sequence; the c. name uses the placement nearest the transcript's 3' end. VCF-style (leftmost placement, unchanged base first): chr4-145646012-ATGAC-A. GRCh37 (hg19) VCF-style: chr4-146567164-ATGAC-A.
Other names: c.593_596delCTGA (NM_172250.3, NM_172250.2); short protein forms T198fs.
Identifiers: ClinVar variation 203815 (VCV000203815.54), dbSNP rs796051993, ClinGen allele CA312707.